The following is an entry in ClinVar:

NM_014112.5(TRPS1):c.1615C>A (p.Gln539Lys)

Gene: TRPS1 (transcriptional repressor GATA binding 1; minus strand). Cytogenetic location: 8q23.3.
Variant type: single nucleotide variant.
Coding change: c.1615C>A on transcript NM_014112.5 (MANE Select); coding-DNA position 1615, C replaced by A.
Protein change: p.Gln539Lys; replaces glutamine 539 with lysine.
Molecular consequence: missense variant.
Genome position (GRCh38, 1-based): chr8:115,604,354, G>T on the plus strand (C>A on the coding strand, the complement: TRPS1 is on the minus strand). VCF-style: chr8-115604354-G-T. GRCh37 (hg19) VCF-style: chr8-116616581-G-T.
Other names: c.1588C>A, p.Gln530Lys (NM_001282902.3); c.1594C>A, p.Gln532Lys (NM_001282903.3); c.1576C>A, p.Gln526Lys (NM_001330599.2); short protein forms Q530K, Q532K, Q526K, Q539K.
Identifiers: ClinVar variation 2942152 (VCV002942152.3), dbSNP rs2536889922, ClinGen allele CA372067008.
Genomic context (GRCh38, chr8:115,604,354, plus strand): 5'-GTGGCCCCACTACAATTACATCAGGGCCATGGCTTTTGGAATATCGGAAGTCACAGAACT[G>T]ACAATTATAGCTCGTTACCATATTATCCTCGGCTCCCTTGCTGGAGAAGTCCTTCTTTTT-3'
Protein context (NP_054831.2, residues 529-549): EDNMVTSYNC[Gln539Lys]FCDFRYSKSH

ClinVar aggregate classification (germline): Uncertain significance (1 of 4 stars; one submission).

Conditions:
Trichorhinophalangeal dysplasia type I (TRPS1). Also called: TRICHORHINOPHALANGEAL SYNDROME, TYPE I; TRPS I. Identifiers: Orphanet 77258, MedGen C0432233, MONDO:0008596, OMIM 190350.
Trichorhinophalangeal syndrome, type III (TRPS3). Also called: SUGIO-KAJII SYNDROME. Identifiers: Orphanet 77258, MedGen C1860823, OMIM 190351, MONDO:0008597.

Submission:

Labcorp Genetics (formerly Invitae), Labcorp
Classification: Uncertain significance for Trichorhinophalangeal syndrome, type III; Trichorhinophalangeal dysplasia type I. Last evaluated: 2022-12-08. Review status: criteria provided, single submitter. Criteria: Invitae Variant Classification Sherloc (09022015). Collection method: clinical testing. Allele origin: germline.
Comment: This variant is not present in population databases (gnomAD no frequency). In summary, the available evidence is currently insufficient to determine the role of this variant in disease. Therefore, it has been classified as a Variant of Uncertain Significance. Advanced modeling of protein sequence and biophysical properties (such as structural, functional, and spatial information, amino acid conservation, physicochemical variation, residue mobility, and thermodynamic stability) performed at Invitae indicates that this missense variant is expected to disrupt TRPS1 protein function. This variant has not been reported in the literature in individuals affected with TRPS1-related conditions. This sequence change replaces glutamine, which is neutral and polar, with lysine, which is basic and polar, at codon 539 of the TRPS1 protein (p.Gln539Lys).